The following is an entry in ClinVar:

NM_003673.4(TCAP):c.353C>A (p.Ala118Glu)

Gene: TCAP (titin-cap; plus strand). Cytogenetic location: 17q12.
Variant type: single nucleotide variant.
Coding change: c.353C>A on transcript NM_003673.4 (MANE Select); coding-DNA position 353, C replaced by A.
Protein change: p.Ala118Glu; replaces alanine 118 with glutamic acid.
Molecular consequence: missense variant.
Genome position (GRCh38, 1-based): chr17:39,665,958, C>A. VCF-style: chr17-39665958-C-A. GRCh37 (hg19) VCF-style: chr17-37822211-C-A.
Other names: short protein forms A118E.
Identifiers: ClinVar variation 937515 (VCV000937515.10), dbSNP rs143233087, ClinGen allele CA399305298.

ClinVar aggregate classification (germline): Uncertain significance (1 of 4 stars; one submission).

Conditions:
Hypertrophic cardiomyopathy 25 (CMH25). Also called: CARDIOMYOPATHY, FAMILIAL HYPERTROPHIC, 25. Identifiers: MedGen C4225408, MONDO:0011843, OMIM 607487.
Primary familial hypertrophic cardiomyopathy (HCM). Identifiers: Orphanet 99739, MedGen C0949658, MeSH D024741, MONDO:0024573. Inheritance: Various modes of inheritance.

Submission:

Labcorp Genetics (formerly Invitae), Labcorp
Classification: Uncertain significance for Hypertrophic cardiomyopathy 25; Primary familial hypertrophic cardiomyopathy. Last evaluated: 2019-06-29. Review status: criteria provided, single submitter. Criteria: Invitae Variant Classification Sherloc (09022015). Collection method: clinical testing. Allele origin: germline.
Comment: This sequence change replaces alanine with glutamic acid at codon 118 of the TCAP protein (p.Ala118Glu). The alanine residue is moderately conserved and there is a moderate physicochemical difference between alanine and glutamic acid. This variant is not present in population databases (ExAC no frequency). In summary, the available evidence is currently insufficient to determine the role of this variant in disease. Therefore, it has been classified as a Variant of Uncertain Significance. Algorithms developed to predict the effect of missense changes on protein structure and function are either unavailable or do not agree on the potential impact of this missense change (SIFT: "Tolerated"; PolyPhen-2: "Probably Damaging"; Align-GVGD: "Class C0"). This variant has not been reported in the literature in individuals with TCAP-related conditions.